The following is an entry in ClinVar:

NM_004006.3(DMD):c.3292A>G (p.Ile1098Val)

Gene: DMD (dystrophin; minus strand). Cytogenetic location: Xp21.1.
Variant type: single nucleotide variant.
Coding change: c.3292A>G on transcript NM_004006.3 (MANE Select); coding-DNA position 3292, A replaced by G.
Protein change: p.Ile1098Val; replaces isoleucine 1098 with valine.
Molecular consequence: missense variant.
Genome position (GRCh38, 1-based): chrX:32,463,579, T>C on the plus strand (A>G on the coding strand, the complement: DMD is on the minus strand). VCF-style: chrX-32463579-T-C. GRCh37 (hg19) VCF-style: chrX-32481696-T-C.
Other names: c.3268A>G, p.Ile1090Val (NM_000109.4); c.3280A>G, p.Ile1094Val (NM_004009.3); c.2923A>G, p.Ile975Val (NM_004010.3); short protein forms I1090V, I1094V, I975V, I1098V.
Identifiers: ClinVar variation 640136 (VCV000640136.8), dbSNP rs1215676467, ClinGen allele CA412664602.
Genomic context (GRCh38, chrX:32,463,579, plus strand): 5'-CATTCTTTATCTTCTGCCCACCTTCATTGACACTGTTTAGACTGGGCTGAATTGTCTGAA[T>C]ATCACTGACTAAAAGCTAAGAAAATAAATCAATTTAAGCCAGCTGAAAAAAATTACTGCC-3'
Protein context (NP_003997.2, residues 1088-1108): LKQCRLLVSD[Ile1098Val]QTIQPSLNSV

ClinVar aggregate classification (germline): Uncertain significance. Review status: criteria provided, multiple submitters, no conflicts (2 of 4 stars). 3 submissions from 3 submitters: Uncertain significance (2). 1 of the submissions does not count toward it. Last evaluated 2025-12-30.

Conditions:
Cardiomyopathy (CMYO). Also called: Cardiomyopathies. Identifiers: Orphanet 167848, MedGen C0878544, MONDO:0004994, HP:0001638. Inheritance: Various modes of inheritance.
Duchenne muscular dystrophy (DMD). Also called: MUSCULAR DYSTROPHY, PSEUDOHYPERTROPHIC PROGRESSIVE, DUCHENNE TYPE; Duchenne Muscular Dystrophy (DMD). Identifiers: Orphanet 98896, MedGen C0013264, MONDO:0010679, OMIM 310200.
Becker muscular dystrophy (BMD). Also called: MUSCULAR DYSTROPHY, PSEUDOHYPERTROPHIC PROGRESSIVE, BECKER TYPE; Becker Muscular Dystrophy (BMD). Identifiers: Orphanet 98895, MedGen C0917713, MONDO:0010311, OMIM 300376.
Dystrophin deficiency.
Cardiovascular phenotype. Identifiers: MedGen CN230736.

Allele frequency attached by ClinVar (database versions not stated): gnomAD exomes 0.00001; TOPMed 0.00001.
gnomAD v4.1: 8 of 1,154,811 alleles (0.00069%); highest among the groups gnomAD compares: African/African-American, 0.0018%; no homozygotes.

Submissions (3):

Ambry Genetics
Classification: Uncertain significance for Cardiovascular phenotype. Last evaluated: 2025-12-30. Review status: criteria provided, single submitter. Criteria: Ambry Variant Classification Scheme 2023. Collection method: clinical testing. Allele origin: germline.

Labcorp Genetics (formerly Invitae), Labcorp
Classification: Uncertain significance for Duchenne muscular dystrophy. Last evaluated: 2025-05-14. Review status: criteria provided, single submitter. Criteria: Invitae Variant Classification Sherloc (09022015). Collection method: clinical testing. Allele origin: germline.
Comment: This sequence change replaces isoleucine, which is neutral and non-polar, with valine, which is neutral and non-polar, at codon 1098 of the DMD protein (p.Ile1098Val). The frequency data for this variant in the population databases is considered unreliable, as metrics indicate poor data quality at this position in the gnomAD database. This variant has not been reported in the literature in individuals affected with DMD-related conditions. ClinVar contains an entry for this variant (Variation ID: 640136). Invitae Evidence Modeling of protein sequence and biophysical properties (such as structural, functional, and spatial information, amino acid conservation, physicochemical variation, residue mobility, and thermodynamic stability) indicates that this missense variant is not expected to disrupt DMD protein function with a negative predictive value of 95%. In summary, the available evidence is currently insufficient to determine the role of this variant in disease. Therefore, it has been classified as a Variant of Uncertain Significance.

Natera, Inc.
Classification: Uncertain significance for Becker muscular dystrophy; Cardiomyopathy; Duchenne muscular dystrophy; Dystrophin deficiency. Last evaluated: 2018-11-03. Review status: no assertion criteria provided. Collection method: clinical testing. Allele origin: germline. Not counted in ClinVar's aggregate classification.